The following is an entry in ClinVar:

ClinVar aggregate classification (germline): Uncertain significance (1 of 4 stars; one submission).

Conditions:
EP300-related disorder. Also called: EP300-related condition; EP300-related disorders.

Submission:

PreventionGenetics, part of Exact Sciences
Classification: Uncertain significance for EP300-related condition. Last evaluated: 2025-10-21. Review status: criteria provided, single submitter. Criteria: ACMG Guidelines, 2015. Collection method: clinical testing. Allele origin: germline.
Comment: The EP300 c.2140C>A variant is predicted to result in the amino acid substitution p.Gln714Lys. To our knowledge, this variant has not been reported in the literature or in a large population database (gnomAD), indicating this variant is rare. At this time, the clinical significance of this variant is uncertain due to the absence of conclusive functional and genetic evidence.

NM_001429.4(EP300):c.2140C>A (p.Gln714Lys)

Gene: EP300 (EP300 lysine acetyltransferase; plus strand). Cytogenetic location: 22q13.2.
Variant type: single nucleotide variant.
Coding change: c.2140C>A on transcript NM_001429.4 (MANE Select); coding-DNA position 2140, C replaced by A.
Protein change: p.Gln714Lys; replaces glutamine 714 with lysine.
Molecular consequence: missense variant.
Genome position (GRCh38, 1-based): chr22:41,147,845, C>A. VCF-style: chr22-41147845-C-A. GRCh37 (hg19) VCF-style: chr22-41543849-C-A.
Other names: c.2062C>A, p.Gln688Lys (NM_001362843.2); short protein forms Q714K, Q688K.
Identifiers: ClinVar variation 4995706 (VCV004995706.1).